The following is an entry in ClinVar:

ClinVar aggregate classification (germline): Uncertain significance. Review status: criteria provided, multiple submitters, no conflicts (2 of 4 stars). 2 submissions from 2 submitters: Uncertain significance (2). Last evaluated 2025-02-11.

Conditions:
Inborn genetic diseases. Identifiers: MedGen C0950123, MeSH D030342.

Allele frequency attached by ClinVar (database versions not stated): gnomAD exomes below 0.00001.
gnomAD v4.1: 3 of 1,614,168 alleles (0.00019%); highest among the groups gnomAD compares: Non-Finnish European, 0.00025%; no homozygotes.

Submissions (2):

Labcorp Genetics (formerly Invitae), Labcorp
Classification: Uncertain significance. Last evaluated: 2025-02-11. Review status: criteria provided, single submitter. Criteria: Invitae Variant Classification Sherloc (09022015). Collection method: clinical testing. Allele origin: germline.
Comment: This sequence change replaces glycine, which is neutral and non-polar, with arginine, which is basic and polar, at codon 1194 of the TECTA protein (p.Gly1194Arg). This variant is not present in population databases (gnomAD no frequency). This variant has not been reported in the literature in individuals affected with TECTA-related conditions. ClinVar contains an entry for this variant (Variation ID: 2914751). Invitae Evidence Modeling of protein sequence and biophysical properties (such as structural, functional, and spatial information, amino acid conservation, physicochemical variation, residue mobility, and thermodynamic stability) indicates that this missense variant is not expected to disrupt TECTA protein function with a negative predictive value of 95%. In summary, the available evidence is currently insufficient to determine the role of this variant in disease. Therefore, it has been classified as a Variant of Uncertain Significance.

Ambry Genetics
Classification: Uncertain significance for Inborn genetic diseases. Last evaluated: 2024-12-06. Review status: criteria provided, single submitter. Criteria: Ambry Variant Classification Scheme 2023. Collection method: clinical testing. Allele origin: germline.

NM_005422.4(TECTA):c.3580G>C (p.Gly1194Arg)

Genes: TBCEL-TECTA (TBCEL-TECTA readthrough; plus strand), TECTA (tectorin alpha; plus strand). Cytogenetic location: 11q23.3.
Variant type: single nucleotide variant.
Coding change: c.3580G>C on transcript NM_005422.4 (MANE Select); coding-DNA position 3580, G replaced by C.
Protein change: p.Gly1194Arg; replaces glycine 1194 with arginine.
Molecular consequence: missense variant.
Genome position (GRCh38, 1-based): chr11:121,145,591, G>C. VCF-style: chr11-121145591-G-C. GRCh37 (hg19) VCF-style: chr11-121016300-G-C.
Other names: c.3580G>C (NM_005422.2); c.4537G>C, p.Gly1513Arg (NM_001378761.1); short protein forms G1194R, G1513R.
Identifiers: ClinVar variation 2914751 (VCV002914751.4), dbSNP rs779286225, ClinGen allele CA229831143.
Genomic context (GRCh38, chr11:121,145,591, plus strand): 5'-TCCACCTCATCTCTCCTCTTACAGGTCAACAGTGAACGGCTCTATCTGCCCCTGAAGCTG[G>C]GGCAAGGGAAGATAAATATCTTTTCCTTTGGCTTCCACGTGGTGGTGGAAACTGATTTTG-3'
Protein context (NP_005413.2, residues 1184-1204): SERLYLPLKL[Gly1194Arg]QGKINIFSFG